The following is an entry in ClinVar:

NM_000053.4(ATP7B):c.2887C>G (p.Gln963Glu)

Gene: ATP7B (ATPase copper transporting beta; minus strand). Cytogenetic location: 13q14.3.
Variant type: single nucleotide variant.
Coding change: c.2887C>G on transcript NM_000053.4 (MANE Select); coding-DNA position 2887, C replaced by G.
Protein change: p.Gln963Glu; replaces glutamine 963 with glutamic acid.
Molecular consequence: missense variant. On other transcripts: intron variant (6).
Genome position (GRCh38, 1-based): chr13:51,946,457, G>C on the plus strand (C>G on the coding strand, the complement: ATP7B is on the minus strand). VCF-style: chr13-51946457-G-C. GRCh37 (hg19) VCF-style: chr13-52520593-G-C.
Other names: c.2266C>G, p.Gln756Glu (NM_001005918.3); c.2554C>G, p.Gln852Glu (NM_001243182.2); c.2653C>G, p.Gln885Glu (NM_001330578.2, NM_001406527.1, NM_001406528.1 and 1 more transcripts); c.2635C>G, p.Gln879Glu (NM_001330579.2, NM_001406531.1, NM_001406532.1); c.2887C>G, p.Gln963Glu (NM_001406511.1, NM_001406512.1, NM_001406513.1 and 2 more transcripts); c.2854C>G, p.Gln952Glu (NM_001406514.1); c.2833C>G, p.Gln945Glu (NM_001406515.1, NM_001406516.1); c.2791C>G, p.Gln931Glu (NM_001406517.1, NM_001406518.1); and 18 more; short protein forms Q533E, Q747E, Q756E, Q769E, Q801E, Q820E, Q847E, Q852E.
Identifiers: ClinVar variation 4854674 (VCV004854674.1).
Genomic context (GRCh38, chr13:51,946,457, plus strand): 5'-AGGCAATGCACAGCACCGTGATGGACGTCTGGAAAGCAAACCGGATGATCACCTCTGTCT[G>C]GGAGATGTGCTTGTTGGGGTTCTGAAAACAGGACAGAGTCAGAGGCAGGTTGAGAGTTCA-3'
Protein context (NP_000044.2, residues 953-973): YFPNPNKHIS[Gln963Glu]TEVIIRFAFQ

ClinVar aggregate classification (germline): Uncertain significance (1 of 4 stars; one submission).

Conditions:
Wilson disease (WND). Also called: Wilson's disease. Identifiers: Orphanet 905, MedGen C0019202, MONDO:0010200, OMIM 277900. Disease mechanism: loss of function.

Submission:

3billion
Classification: Uncertain significance for Wilson disease. Last evaluated: 2025-11-14. Review status: criteria provided, single submitter. Criteria: ACMG Guidelines, 2015. Collection method: clinical testing. Allele origin: germline. Affected: yes.
Comment: The variant is not observed in the gnomAD v4.1.0 dataset. Predicted Consequence/Location: Missense variant In silico tool predictions suggest damaging effect of the variant on gene or gene product [3Cnet: 0.88 (> 0.75, sensitivity 0.96 and precision 0.92)]. Therefore, this variant is classified as VUS according to the recommendation of ACMG/AMP guideline.